The following is an entry in ClinVar:

ClinVar aggregate classification (germline): Uncertain significance (1 of 4 stars; one submission).

Submission:

Labcorp Genetics (formerly Invitae), Labcorp
Classification: Uncertain significance. Last evaluated: 2024-02-24. Review status: criteria provided, single submitter. Criteria: Invitae Variant Classification Sherloc (09022015). Collection method: clinical testing. Allele origin: germline.
Comment: This sequence change replaces arginine, which is basic and polar, with serine, which is neutral and polar, at codon 313 of the BEST1 protein (p.Arg313Ser). This variant is not present in population databases (gnomAD no frequency). This variant has not been reported in the literature in individuals affected with BEST1-related conditions. ClinVar contains an entry for this variant (Variation ID: 846612). Advanced modeling of protein sequence and biophysical properties (such as structural, functional, and spatial information, amino acid conservation, physicochemical variation, residue mobility, and thermodynamic stability) performed at Invitae indicates that this missense variant is expected to disrupt BEST1 protein function with a positive predictive value of 95%. In summary, the available evidence is currently insufficient to determine the role of this variant in disease. Therefore, it has been classified as a Variant of Uncertain Significance.

NM_004183.4(BEST1):c.939G>C (p.Arg313Ser)

Gene: BEST1 (bestrophin 1; plus strand). Cytogenetic location: 11q12.3.
Variant type: single nucleotide variant.
Coding change: c.939G>C on transcript NM_004183.4 (MANE Select); coding-DNA position 939, G replaced by C.
Protein change: p.Arg313Ser; replaces arginine 313 with serine.
Molecular consequence: missense variant. On other transcripts: non-coding transcript variant (1), intron variant (1).
Genome position (GRCh38, 1-based): chr11:61,959,569, G>C. VCF-style: chr11-61959569-G-C. GRCh37 (hg19) VCF-style: chr11-61727041-G-C.
Other names: c.759G>C, p.Arg253Ser (NM_001139443.3, NM_001300787.2); c.621G>C, p.Arg207Ser (NM_001363591.3); c.1142G>C, p.Gly381Ala (NM_001363592.2); c.-34G>C (NM_001363593.3); c.688-323G>C (NM_001300786.2); short protein forms R253S, G381A, R207S, R313S.
Identifiers: ClinVar variation 846612 (VCV000846612.9), dbSNP rs1941821943, ClinGen allele CA380844161.